The following is an entry in ClinVar:

NM_000492.4(CFTR):c.1393-2994C>T

Genes: CFTR (CF transmembrane conductance regulator; plus strand), CFTR-AS1 (CFTR antisense RNA 1; minus strand). Cytogenetic location: 7q31.2.
Variant type: single nucleotide variant.
Coding change: c.1393-2994C>T on transcript NM_000492.4 (MANE Select); 2994 bases into the intron before coding-DNA position 1393, C replaced by T.
Molecular consequence: intron variant.
Genome position (GRCh38, 1-based): chr7:117,556,470, C>T. VCF-style: chr7-117556470-C-T. GRCh37 (hg19) VCF-style: chr7-117196524-C-T.
Identifiers: ClinVar variation 4280088 (VCV004280088.1).
Genomic context (GRCh38, chr7:117,556,470, plus strand): 5'-TTTTCCCCTGATTCTGTTTAAATAGCACTGGAGTTACCTGTTTTGAATTTTTTTTCCAAG[C>T]GGTCCCTTATGAGTTTTCTCTATGTTTTATTTGTTTCATTTCTTTTTTTTTTTTTTTTTT-3'

ClinVar aggregate classification (germline): Uncertain significance (1 of 4 stars; one submission).

Conditions:
Cystic fibrosis (CF). Also called: MUCOVISCIDOSIS. Identifiers: Orphanet 586, MedGen C0010674, MONDO:0009061, OMIM 219700. Disease mechanism: loss of function.

gnomAD v4.1: 40 of 149,562 alleles (0.027%); highest among the groups gnomAD compares: Admixed American, 0.087%; no homozygotes.

Submission:

Johns Hopkins Genomics, Johns Hopkins University
Classification: Uncertain significance for Cystic fibrosis. Last evaluated: 2024-10-15. Review status: criteria provided, single submitter. Criteria: ACMG Guidelines, 2015. Collection method: clinical testing. Allele origin: germline.
Comment: The clinical significance of this variant is uncertain (PM2, BP4).